The following is an entry in ClinVar:

NM_000368.5(TSC1):c.2392-1G>C

Gene: TSC1 (TSC complex subunit 1; minus strand). Cytogenetic location: 9q34.13.
Variant type: single nucleotide variant.
Coding change: c.2392-1G>C on transcript NM_000368.5 (MANE Select); the canonical splice acceptor site of the intron before coding-DNA position 2392, G replaced by C.
Molecular consequence: splice acceptor variant.
Genome position (GRCh38, 1-based): chr9:132,901,700, C>G on the plus strand (G>C on the coding strand, the complement: TSC1 is on the minus strand). VCF-style: chr9-132901700-C-G. GRCh37 (hg19) VCF-style: chr9-135777087-C-G.
Other names: c.2026-1G>C (NM_001406620.1, NM_001406625.1, NM_001406621.1 and 2 more transcripts); c.2029-1G>C (NM_001406618.1, NM_001406617.1, NM_001406619.1 and 5 more transcripts); c.2236-1G>C (NM_001406613.1, NM_001406612.1, NM_001406611.1); c.2239-1G>C (NM_001406610.1, NM_001162427.2); c.1438-1G>C (NM_001406627.1, NM_001406628.1); c.1339-1G>C (NM_001406629.1, NM_001406630.1); c.2374-1G>C (NM_001406603.1, NM_001406604.1); c.2389-1G>C (NM_001406609.1, NM_001406597.1, NM_001406600.1 and 4 more transcripts); and 3 more.
Identifiers: ClinVar variation 2020448 (VCV002020448.4), dbSNP rs397514822, ClinGen allele CA375358843.

ClinVar aggregate classification (germline): Uncertain significance (1 of 4 stars; one submission).

Conditions:
Tuberous sclerosis 1 (TSC1). Identifiers: Orphanet 805, MedGen C1854465, MONDO:0008612, OMIM 191100.

Submission:

Labcorp Genetics (formerly Invitae), Labcorp
Classification: Uncertain significance for Tuberous sclerosis 1. Last evaluated: 2023-07-17. Review status: criteria provided, single submitter. Criteria: Invitae Variant Classification Sherloc (09022015). Collection method: clinical testing. Allele origin: germline.
Comment: This sequence change affects an acceptor splice site in intron 18 of the TSC1 gene. RNA analysis indicates that disruption of this splice site induces altered splicing and likely results in the loss of 2 amino acid residue(s), but is expected to preserve the integrity of the reading-frame. This variant is not present in population databases (gnomAD no frequency). This variant has not been reported in the literature in individuals affected with TSC1-related conditions. ClinVar contains an entry for this variant (Variation ID: 2020448). Studies have shown that disruption of this splice site results in the activation of a cryptic splice site in exon 19 (Invitae). In summary, the available evidence is currently insufficient to determine the role of this variant in disease. Therefore, it has been classified as a Variant of Uncertain Significance.